The following is an entry in ClinVar:

ClinVar aggregate classification (germline): Uncertain significance (1 of 4 stars; one submission).

Submission:

GeneDx
Classification: Uncertain significance. Last evaluated: 2025-02-14. Review status: criteria provided, single submitter. Criteria: GeneDx Variant Classification Process June 2021. Collection method: clinical testing. Allele origin: germline. Affected: yes.
Comment: Not observed at significant frequency in large population cohorts (gnomAD); In silico analysis supports that this missense variant has a deleterious effect on protein structure/function; Has not been previously published as pathogenic or benign to our knowledge

NM_003024.3(ITSN1):c.1220T>C (p.Leu407Pro)

Gene: ITSN1 (intersectin 1; plus strand). Cytogenetic location: 21q22.11.
Variant type: single nucleotide variant.
Coding change: c.1220T>C on transcript NM_003024.3 (MANE Select); coding-DNA position 1220, T replaced by C.
Protein change: p.Leu407Pro; replaces leucine 407 with proline.
Molecular consequence: missense variant.
Genome position (GRCh38, 1-based): chr21:33,772,238, T>C. VCF-style: chr21-33772238-T-C. GRCh37 (hg19) VCF-style: chr21-35144542-T-C.
Other names: c.1220T>C, p.Leu407Pro (NM_001001132.2, NM_001331008.2, NM_001331009.2 and 2 more transcripts); c.1109T>C, p.Leu370Pro (NM_001331012.2); short protein forms L370P, L407P.
Identifiers: ClinVar variation 4075604 (VCV004075604.1).
Genomic context (GRCh38, chr21:33,772,238, plus strand): 5'-AGCGGGCGGAGCAGGAGAGGAAGGAGCGTGAGCGCCAGGAGCAAGAGCGCAAAAGACAAC[T>C]GGAACTGGAGAAGCAACTGGAAAAGCAGCGGGAGCTAGAACGGCAGAGAGAGGAGGAGAG-3'
Protein context (NP_003015.2, residues 397-417): ERQEQERKRQ[Leu407Pro]ELEKQLEKQR